The following is an entry in ClinVar:

ClinVar aggregate classification (germline): Uncertain significance (1 of 4 stars; one submission).

Conditions:
DHODH-related disorder. Also called: DHODH-related condition.

gnomAD v4.1: 17 of 1,614,068 alleles (0.0011%); highest among the groups gnomAD compares: South Asian, 0.0022%; no homozygotes.

Submission:

PreventionGenetics, part of Exact Sciences
Classification: Uncertain significance for DHODH-related condition. Last evaluated: 2025-01-08. Review status: criteria provided, single submitter. Criteria: ACMG Guidelines, 2015. Collection method: clinical testing. Allele origin: germline.
Comment: The DHODH c.310G>A variant is predicted to result in the amino acid substitution p.Val104Met. To our knowledge, this variant has not been reported in the literature. This variant is reported in 0.0056% of alleles in individuals of East Asian descent in gnomAD. At this time, the clinical significance of this variant is uncertain due to the absence of conclusive functional and genetic evidence.

NM_001361.5(DHODH):c.310G>A (p.Val104Met)

Gene: DHODH (dihydroorotate dehydrogenase (quinone); plus strand). Cytogenetic location: 16q22.2.
Variant type: single nucleotide variant.
Coding change: c.310G>A on transcript NM_001361.5 (MANE Select); coding-DNA position 310, G replaced by A.
Protein change: p.Val104Met; replaces valine 104 with methionine.
Molecular consequence: missense variant.
Genome position (GRCh38, 1-based): chr16:72,014,548, G>A. VCF-style: chr16-72014548-G-A. GRCh37 (hg19) VCF-style: chr16-72048447-G-A.
Other names: short protein forms V104M.
Identifiers: ClinVar variation 3346610 (VCV003346610.2).